The following is an entry in ClinVar:

NM_000135.4(FANCA):c.364G>T (p.Gly122Ter)

Gene: FANCA (FA complementation group A; minus strand). Cytogenetic location: 16q24.3.
Variant type: single nucleotide variant.
Coding change: c.364G>T on transcript NM_000135.4 (MANE Select); coding-DNA position 364, G replaced by T.
Protein change: p.Gly122Ter; replaces glycine 122 with a stop codon.
Molecular consequence: nonsense.
Genome position (GRCh38, 1-based): chr16:89,810,991, C>A on the plus strand (G>T on the coding strand, the complement: FANCA is on the minus strand). VCF-style: chr16-89810991-C-A. GRCh37 (hg19) VCF-style: chr16-89877399-C-A.
Other names: c.364G>T, p.Gly122Ter (NM_001018112.3, NM_001286167.3, NM_001351830.2); short protein forms G122*.
Identifiers: ClinVar variation 984166 (VCV000984166.3), dbSNP rs2040857662, ClinGen allele CA397480968.

ClinVar aggregate classification (germline): Likely pathogenic (1 of 4 stars; one submission).

Conditions:
Fanconi anemia complementation group A (FANCA). Also called: Fanconi anemia, group A; FANCA-Related Fanconi Anemia. Identifiers: Orphanet 84, MedGen C3469521, MONDO:0009215, OMIM 227650.

Submission:

Myriad Genetics, Inc.
Classification: Likely pathogenic for Fanconi anemia complementation group A. Last evaluated: 2019-12-22. Review status: criteria provided, single submitter. Criteria: Myriad Women's Health Autosomal Recessive and X-Linked Classification Criteria (2019). Collection method: clinical testing. Allele origin: unknown.
Comment: NM_000135.2(FANCA):c.364G>T(G122*) is expected to be pathogenic in the context of Fanconi anemia complementation group A. This variant is predicted to lead to an abnormal or absent protein product due to the creation of a premature termination codon in FANCA, a gene where loss-of-function variants are known to be pathogenic. Please note: this variant was assessed in the context of healthy population screening.